The following is an entry in ClinVar:

ClinVar aggregate classification (germline): Uncertain significance. Review status: criteria provided, multiple submitters, no conflicts (2 of 4 stars). 3 submissions from 3 submitters: Uncertain significance (3). Last evaluated 2025-05-13.

Allele frequency attached by ClinVar (database versions not stated): gnomAD exomes 0.00003; TOPMed 0.00003; gnomAD 0.00004.
gnomAD v4.1: 46 of 1,613,722 alleles (0.0029%); highest among the groups gnomAD compares: Non-Finnish European, 0.0036%; no homozygotes.

Submissions (3):

Ambry Genetics
Classification: Uncertain significance. Last evaluated: 2025-05-13. Review status: criteria provided, single submitter. Criteria: Ambry Variant Classification Scheme 2023. Collection method: clinical testing. Allele origin: germline.

Blueprint Genetics
Classification: Uncertain significance. Last evaluated: 2024-09-13. Review status: criteria provided, single submitter. Criteria: ACMG Guidelines, 2015. Collection method: clinical testing. Allele origin: germline.

Labcorp Genetics (formerly Invitae), Labcorp
Classification: Uncertain significance. Last evaluated: 2022-10-05. Review status: criteria provided, single submitter. Criteria: Invitae Variant Classification Sherloc (09022015). Collection method: clinical testing. Allele origin: germline.
Comment: This sequence change replaces glycine, which is neutral and non-polar, with arginine, which is basic and polar, at codon 931 of the DHX38 protein (p.Gly931Arg). This variant is present in population databases (no rsID available, gnomAD 0.005%). This variant has not been reported in the literature in individuals affected with DHX38-related conditions. Advanced modeling of protein sequence and biophysical properties (such as structural, functional, and spatial information, amino acid conservation, physicochemical variation, residue mobility, and thermodynamic stability) performed at Invitae indicates that this missense variant is expected to disrupt DHX38 protein function. In summary, the available evidence is currently insufficient to determine the role of this variant in disease. Therefore, it has been classified as a Variant of Uncertain Significance.

NM_014003.4(DHX38):c.2791G>A (p.Gly931Arg)

Genes: DHX38 (DEAH-box helicase 38; plus strand), LOC126862391 (CDK7 strongly-dependent group 2 enhancer GRCh37_chr16:72141414-72142613; plus strand). Cytogenetic location: 16q22.2.
Variant type: single nucleotide variant.
Coding change: c.2791G>A on transcript NM_014003.4 (MANE Select); coding-DNA position 2791, G replaced by A.
Protein change: p.Gly931Arg; replaces glycine 931 with arginine.
Molecular consequence: missense variant.
Genome position (GRCh38, 1-based): chr16:72,107,530, G>A. VCF-style: chr16-72107530-G-A. GRCh37 (hg19) VCF-style: chr16-72141429-G-A.
Other names: c.2791G>A (NM_014003.3); short protein forms G931R.
Identifiers: ClinVar variation 1911012 (VCV001911012.4), dbSNP rs1485446269, ClinGen allele CA396714396.
Genomic context (GRCh38, chr16:72,107,530, plus strand): 5'-TTCATGGACCCGCCCCCGGAGGACAACATGCTCAACTCTATGTATCAGCTCTGGATCCTC[G>A]GGGCCCTGGACAACACAGGTGAGGCGGCCCCGGGAGCCTCATGGGTGCTGGCGCTTGACT-3'
Protein context (NP_054722.2, residues 921-941): LNSMYQLWIL[Gly931Arg]ALDNTGGLTS